The following is an entry in ClinVar:

NM_000520.6(HEXA):c.572A>G (p.Asp191Gly)

Gene: HEXA (hexosaminidase subunit alpha; minus strand). Cytogenetic location: 15q23.
Variant type: single nucleotide variant.
Coding change: c.572A>G on transcript NM_000520.6 (MANE Select); coding-DNA position 572, A replaced by G.
Protein change: p.Asp191Gly; replaces aspartic acid 191 with glycine.
Molecular consequence: missense variant. On other transcripts: non-coding transcript variant (1).
Genome position (GRCh38, 1-based): chr15:72,351,233, T>C on the plus strand (A>G on the coding strand, the complement: HEXA is on the minus strand). VCF-style: chr15-72351233-T-C. GRCh37 (hg19) VCF-style: chr15-72643574-T-C.
Other names: c.605A>G, p.Asp202Gly (NM_001318825.2); short protein forms D202G, D191G.
Identifiers: ClinVar variation 1348617 (VCV001348617.6), dbSNP rs2140324755, ClinGen allele CA393063897.

ClinVar aggregate classification (germline): Uncertain significance (1 of 4 stars; one submission).

Conditions:
Tay-Sachs disease (TSD). Also called: HEXA Disorders; HEXA DEFICIENCY; GM2 gangliosidosis, type 1; Hexosaminidase alpha-subunit deficiency (variant B); Sphingolipidosis, Tay-Sachs; Hexosaminidase A Deficiency. Identifiers: Orphanet 845, MedGen C0039373, MONDO:0010100, OMIM 272800.

Submission:

Labcorp Genetics (formerly Invitae), Labcorp
Classification: Uncertain significance for Tay-Sachs disease. Last evaluated: 2022-07-12. Review status: criteria provided, single submitter. Criteria: Invitae Variant Classification Sherloc (09022015). Collection method: clinical testing. Allele origin: germline.
Comment: In summary, the available evidence is currently insufficient to determine the role of this variant in disease. Therefore, it has been classified as a Variant of Uncertain Significance. Algorithms developed to predict the effect of missense changes on protein structure and function are either unavailable or do not agree on the potential impact of this missense change (SIFT: "Tolerated"; PolyPhen-2: "Probably Damaging"; Align-GVGD: "Class C0"). ClinVar contains an entry for this variant (Variation ID: 1348617). This variant has not been reported in the literature in individuals affected with HEXA-related conditions. This variant is not present in population databases (gnomAD no frequency). This sequence change replaces aspartic acid, which is acidic and polar, with glycine, which is neutral and non-polar, at codon 191 of the HEXA protein (p.Asp191Gly).